The following is an entry in ClinVar:

ClinVar aggregate classification (germline): Uncertain significance. Review status: criteria provided, multiple submitters, no conflicts (2 of 4 stars). 2 submissions from 2 submitters: Uncertain significance (2). Last evaluated 2025-02-13.

Conditions:
Combined immunodeficiency due to LRBA deficiency. Also called: Common variable immunodeficiency 8, with autoimmunity. Identifiers: Orphanet 445018, MedGen C3553512, MONDO:0013863, OMIM 614700.
Inborn genetic diseases. Identifiers: MedGen C0950123, MeSH D030342.

Allele frequency attached by ClinVar (database versions not stated): gnomAD 0.00001; gnomAD exomes below 0.00001; TOPMed below 0.00001.
gnomAD v4.1: 6 of 1,613,922 alleles (0.00037%); highest among the groups gnomAD compares: African/African-American, 0.0013%; no homozygotes.

Submissions (2):

Ambry Genetics
Classification: Uncertain significance for Inborn genetic diseases. Last evaluated: 2025-02-13. Review status: criteria provided, single submitter. Criteria: Ambry Variant Classification Scheme 2023. Collection method: clinical testing. Allele origin: germline.

Labcorp Genetics (formerly Invitae), Labcorp
Classification: Uncertain significance for Combined immunodeficiency due to LRBA deficiency. Last evaluated: 2024-07-12. Review status: criteria provided, single submitter. Criteria: Invitae Variant Classification Sherloc (09022015). Collection method: clinical testing. Allele origin: germline.
Comment: This sequence change replaces alanine, which is neutral and non-polar, with valine, which is neutral and non-polar, at codon 1138 of the LRBA protein (p.Ala1138Val). This variant is not present in population databases (gnomAD no frequency). This variant has not been reported in the literature in individuals affected with LRBA-related conditions. ClinVar contains an entry for this variant (Variation ID: 540381). Advanced modeling of protein sequence and biophysical properties (such as structural, functional, and spatial information, amino acid conservation, physicochemical variation, residue mobility, and thermodynamic stability) performed at Invitae indicates that this missense variant is not expected to disrupt LRBA protein function with a negative predictive value of 80%. In summary, the available evidence is currently insufficient to determine the role of this variant in disease. Therefore, it has been classified as a Variant of Uncertain Significance.

NM_001364905.1(LRBA):c.3413C>T (p.Ala1138Val)

Gene: LRBA (LPS responsive beige-like anchor protein; minus strand). Cytogenetic location: 4q31.3.
Variant type: single nucleotide variant.
Coding change: c.3413C>T on transcript NM_001364905.1 (MANE Select); coding-DNA position 3413, C replaced by T.
Protein change: p.Ala1138Val; replaces alanine 1138 with valine.
Molecular consequence: missense variant.
Genome position (GRCh38, 1-based): chr4:150,852,297, G>A on the plus strand (C>T on the coding strand, the complement: LRBA is on the minus strand). VCF-style: chr4-150852297-G-A. GRCh37 (hg19) VCF-style: chr4-151773449-G-A.
Other names: c.3413C>T, p.Ala1138Val (NM_001199282.3, NM_001367550.1, NM_006726.5); short protein forms A1138V.
Identifiers: ClinVar variation 540381 (VCV000540381.11), dbSNP rs1004655907, ClinGen allele CA107814179.